The following is an entry in ClinVar:

ClinVar aggregate classification (germline): Uncertain significance (1 of 4 stars; one submission).

Submission:

Labcorp Genetics (formerly Invitae), Labcorp
Classification: Uncertain significance. Last evaluated: 2025-06-02. Review status: criteria provided, single submitter. Criteria: Invitae Variant Classification Sherloc (09022015). Collection method: clinical testing. Allele origin: germline.
Comment: This sequence change replaces glycine, which is neutral and non-polar, with alanine, which is neutral and non-polar, at codon 1682 of the DOCK6 protein (p.Gly1682Ala). This variant is not present in population databases (gnomAD no frequency). This variant has not been reported in the literature in individuals affected with DOCK6-related conditions. Invitae Evidence Modeling of protein sequence and biophysical properties (such as structural, functional, and spatial information, amino acid conservation, physicochemical variation, residue mobility, and thermodynamic stability) indicates that this missense variant is expected to disrupt DOCK6 protein function with a positive predictive value of 80%. In summary, the available evidence is currently insufficient to determine the role of this variant in disease. Therefore, it has been classified as a Variant of Uncertain Significance.

NM_020812.4(DOCK6):c.5045G>C (p.Gly1682Ala)

Genes: DOCK6 (dedicator of cytokinesis 6; minus strand), DOCK6-AS1 (DOCK6 antisense RNA 1; plus strand). Cytogenetic location: 19p13.2.
Variant type: single nucleotide variant.
Coding change: c.5045G>C on transcript NM_020812.4 (MANE Select); coding-DNA position 5045, G replaced by C.
Protein change: p.Gly1682Ala; replaces glycine 1682 with alanine.
Molecular consequence: missense variant.
Genome position (GRCh38, 1-based): chr19:11,208,729, C>G on the plus strand (G>C on the coding strand, the complement: DOCK6 is on the minus strand). VCF-style: chr19-11208729-C-G. GRCh37 (hg19) VCF-style: chr19-11319405-C-G.
Other names: c.5150G>C, p.Gly1717Ala (NM_001367830.1); short protein forms G1682A, G1717A.
Identifiers: ClinVar variation 4725841 (VCV004725841.1).